The following is an entry in ClinVar:

ClinVar aggregate classification (germline): Uncertain significance (1 of 4 stars; one submission).

Submission:

GeneDx
Classification: Uncertain significance. Last evaluated: 2026-03-15. Review status: criteria provided, single submitter. Criteria: GeneDx Variant Classification Process June 2021. Collection method: clinical testing. Allele origin: germline.
Comment: Not observed at significant frequency in large population cohorts (gnomAD); In silico analysis suggests that this missense variant does not alter protein structure/function; Has not been previously published as pathogenic or benign to our knowledge

NM_170606.3(KMT2C):c.557A>C (p.Asn186Thr)

Gene: KMT2C (lysine methyltransferase 2C; minus strand). Cytogenetic location: 7q36.1.
Variant type: single nucleotide variant.
Coding change: c.557A>C on transcript NM_170606.3 (MANE Select); coding-DNA position 557, A replaced by C.
Protein change: p.Asn186Thr; replaces asparagine 186 with threonine.
Molecular consequence: missense variant.
Genome position (GRCh38, 1-based): chr7:152,315,171, T>G on the plus strand (A>C on the coding strand, the complement: KMT2C is on the minus strand). VCF-style: chr7-152315171-T-G. GRCh37 (hg19) VCF-style: chr7-152012256-T-G.
Other names: short protein forms N186T.
Identifiers: ClinVar variation 5009238 (VCV005009238.1).